The following is an entry in ClinVar:

NM_001009944.3(PKD1):c.304A>T (p.Lys102Ter)

Gene: PKD1 (polycystin 1, transient receptor potential channel interacting; minus strand). Cytogenetic location: 16p13.3.
Variant type: single nucleotide variant.
Coding change: c.304A>T on transcript NM_001009944.3 (MANE Select); coding-DNA position 304, A replaced by T.
Protein change: p.Lys102Ter; replaces lysine 102 with a stop codon.
Molecular consequence: nonsense.
Genome position (GRCh38, 1-based): chr16:2,119,169, T>A on the plus strand (A>T on the coding strand, the complement: PKD1 is on the minus strand). VCF-style: chr16-2119169-T-A. GRCh37 (hg19) VCF-style: chr16-2169170-T-A.
Other names: c.304A>T, p.Lys102Ter (NM_000296.4); short protein forms K102*.
Identifiers: ClinVar variation 997113 (VCV000997113.4), dbSNP rs2092684104, ClinGen allele CA394396009.
Genomic context (GRCh38, chr16:2,119,169, plus strand): 5'-CTTACATTTCACTTAAATTAAATAAATTAGCAAATATTCCTTCTTCTAACGTAGAAATCT[T>A]GTTGTTGCTTATATCCCTGGAAGAGACGGGGGATTCGGCAAAGCTGATGGAAGCCCCCAC-3'

ClinVar aggregate classification (germline): Pathogenic. Review status: criteria provided, multiple submitters, no conflicts (2 of 4 stars). 3 submissions from 3 submitters: Pathogenic (2). 1 of the submissions does not count toward it. Last evaluated 2026-01-26.

Conditions:
Polycystic kidney disease. Also called: Polycystic kidney dysplasia; Kidney, Polycystic. Identifiers: MedGen C0022680, MeSH D007690, MONDO:0020642, HP:0000113.
Polycystic kidney disease, adult type (PKD1). Also called: POLYCYSTIC KIDNEY DISEASE, ADULT, TYPE I; Polycystic Kidney Disease 1, Autosomal Dominant; Polycystic kidney disease 1; Polycystic kidney disease 1, severe; Polycystic Kidney, Autosomal Dominant; POLYCYSTIC KIDNEY DISEASE 1 WITH OR WITHOUT POLYCYSTIC LIVER DISEASE. Identifiers: MedGen C3149841, MONDO:0008263, OMIM 173900.

Submissions (3):

Medical and Scientific Branch, Hong Kong Genome Institute
Classification: Pathogenic for Polycystic kidney disease, adult type. Last evaluated: 2026-01-26. Review status: criteria provided, single submitter. Criteria: ACMG Guidelines, 2015. Collection method: clinical testing. Allele origin: unknown. Affected: yes.

Victorian Clinical Genetics Services, Murdoch Childrens Research Institute
Classification: Pathogenic for Polycystic kidney disease, adult type. Last evaluated: 2024-11-20. Review status: criteria provided, single submitter. Criteria: ACMG Guidelines, 2015. Collection method: clinical testing. Allele origin: germline. Affected: yes.
Comment: This variant is classified as Pathogenic. Evidence in support of pathogenic classification: Variant is predicted to cause nonsense-mediated decay (NMD) and loss of protein (premature termination codon is located at least 54 nucleotides upstream of the final exon-exon junction); Variant is absent from gnomAD (v2, v3 and v4); Other NMD-predicted variants comparable to the one identified in this case have very strong previous evidence for pathogenicity (DECIPHER, ClinVar). Additional information: This variant is heterozygous; This gene is associated with autosomal dominant disease. Polycystic kidney disease 1 (MIM#173900) is predominantly caused by monoallelic variants, with rare reports of biallelic variants causing disease (OMIM); Loss of function is a known mechanism of disease in this gene and is associated with polycystic kidney disease 1 (MIM#173900); Inheritance information for this variant is not currently available in this individual.

Department of Pathology and Laboratory Medicine, Sinai Health System
Classification: Pathogenic for Polycystic Kidney disease. Review status: no assertion criteria provided. Collection method: clinical testing. Allele origin: unknown. Affected: yes. Study: The Canadian Open Genetics Repository (COGR). Not counted in ClinVar's aggregate classification.
Comment: The PKD1 p.Lys102* variant was not identified in the literature nor was it identified in the dbSNP, ClinVar, COGR, LOVD 3.0, ADPKD Mutation Database, PKD1-LOVD, the Exome Aggregation Consortium (August 8th 2016), or the Genome Aggregation Database (Feb 27, 2017). The p.Lys102* variant leads to a premature stop codon at position 102, which is predicted to lead to a truncated or absent protein and loss of function. Loss of function variants of the PKD1 gene are an established mechanism of disease in autosomal dominant polycystic kidney disease and is the type of variant expected to cause the disorder. In summary, based on the above information this variant meets our laboratoryâ€šÃ„Ã´s criteria to be classified as pathogenic.